The following is an entry in ClinVar:

NM_006907.4(PYCR1):c.67+10del

Gene: PYCR1 (pyrroline-5-carboxylate reductase 1; minus strand). Cytogenetic location: 17q25.3.
Variant type: Deletion.
Coding change: c.67+10del on transcript NM_006907.4 (MANE Select); 10 bases into the intron after coding-DNA position 67, one base deleted (C; older notation c.67+10delC).
Molecular consequence: intron variant.
Genome position (GRCh38, 1-based): chr17:81,936,738, G deleted on the plus strand (C on the coding strand, the reverse complement: PYCR1 is on the minus strand); the first of 5 consecutive G bases (chr17:81,936,738-81,936,742); deleting any one gives the same sequence. VCF-style (leftmost placement, unchanged base first): chr17-81936737-TG-T. GRCh37 (hg19) VCF-style: chr17-79894613-TG-T.
Other names: c.67+10delC (NM_006907.2, NM_006907.3); c.67+10del (NM_001282279.2, NM_001330523.2, NM_001282280.2 and 1 more transcripts); c.148+10del (NM_001282281.2).
Identifiers: ClinVar variation 423046 (VCV000423046.16), dbSNP rs779525010, ClinGen allele CA8845603.

ClinVar aggregate classification (germline): Benign/Likely benign. Review status: criteria provided, multiple submitters, no conflicts (2 of 4 stars). 5 submissions from 5 submitters: Benign (1); Likely benign (3). 1 of the submissions does not count toward it. Last evaluated 2026-01-29.

Conditions:
PYCR1-related de Barsy syndrome. Also called: CUTIS LAXA, AUTOSOMAL RECESSIVE, TYPE IIIB; DE BARSY SYNDROME B. Identifiers: Orphanet 293633, Orphanet 2962, MedGen C3280799, MONDO:0013755, OMIM 614438.
Autosomal recessive cutis laxa type 2B (ARCL2B). Also called: CUTIS LAXA, AUTOSOMAL RECESSIVE, TYPE IIB; CUTIS LAXA WITH PROGEROID FEATURES. Identifiers: Orphanet 357064, MedGen C2751987, MONDO:0013051, OMIM 612940. Disease mechanism: loss of function.
PYCR1-related disorder. Also called: PYCR1-related condition.

Submissions (5):

Labcorp Genetics (formerly Invitae), Labcorp
Classification: Benign. Last evaluated: 2026-01-29. Review status: criteria provided, single submitter. Criteria: Invitae Variant Classification Sherloc (09022015). Collection method: clinical testing. Allele origin: germline.

Blueprint Genetics
Classification: Likely benign. Last evaluated: 2024-05-02. Review status: criteria provided, single submitter. Criteria: ACMG Guidelines, 2015. Collection method: clinical testing. Allele origin: germline.

Fulgent Genetics
Classification: Likely benign for Autosomal recessive cutis laxa type 2B; PYCR1-related de Barsy syndrome. Last evaluated: 2022-03-02. Review status: criteria provided, single submitter. Criteria: ACMG Guidelines, 2015. Collection method: clinical testing. Allele origin: unknown.

GeneDx
Classification: Likely benign. Last evaluated: 2017-10-18. Review status: criteria provided, single submitter. Criteria: GeneDx Variant Classification (06012015). Collection method: clinical testing. Allele origin: germline. Affected: yes.
Comment: This variant is considered likely benign or benign based on one or more of the following criteria: it is a conservative change, it occurs at a poorly conserved position in the protein, it is predicted to be benign by multiple in silico algorithms, and/or has population frequency not consistent with disease.

PreventionGenetics, part of Exact Sciences
Classification: Likely benign for PYCR1-related condition. Last evaluated: 2019-12-18. Review status: no assertion criteria provided. Collection method: clinical testing. Allele origin: germline. Not counted in ClinVar's aggregate classification.
Comment: This variant is classified as likely benign based on ACMG/AMP sequence variant interpretation guidelines (Richards et al. 2015 PMID: 25741868, with internal and published modifications).